The following is an entry in ClinVar:

ClinVar aggregate classification (germline): Conflicting classifications of pathogenicity. Review status: criteria provided, conflicting classifications (1 of 4 stars). 7 submissions from 7 submitters: Uncertain significance (3); Likely benign (4). Last evaluated 2026-02-02.

Conditions:
Inborn genetic diseases. Identifiers: MedGen C0950123, MeSH D030342.
MCM3AP-related disorder. Also called: MCM3AP-related condition.

Allele frequency attached by ClinVar (database versions not stated): gnomAD 0.00061 and 0.00064; 1000 Genomes Project 30x 0.00062; TOPMed 0.00067; 1000 Genomes Project 0.00080; gnomAD exomes 0.00080 and 0.00094; ESP Exome Variant Server 0.00085; ExAC 0.00100.
gnomAD v4.1: 1,462 of 1,613,818 alleles (0.091%); highest among the groups gnomAD compares: Middle Eastern, 0.2%; 2 homozygotes.

Submissions (9):

PreventionGenetics, part of Exact Sciences
Classification: Likely benign for MCM3AP-related condition. Last evaluated: 2026-02-02. Review status: criteria provided, single submitter. Criteria: ACMG Guidelines, 2015. Collection method: clinical testing. Allele origin: germline.
Comment: This variant is classified as likely benign based on ACMG/AMP sequence variant interpretation guidelines (Richards et al. 2015 PMID: 25741868, with internal and published modifications).

Mayo Clinic Laboratories, Mayo Clinic
Classification: Uncertain significance. Last evaluated: 2025-06-04. Review status: criteria provided, single submitter. Criteria: ACMG Guidelines, 2015. Collection method: clinical testing. Allele origin: germline. Observed: 2 variant alleles.
Comment: BP4_moderate

Ambry Genetics
Classification: Likely benign for Inborn genetic diseases. Last evaluated: 2025-05-21. Review status: criteria provided, single submitter. Criteria: Ambry Variant Classification Scheme 2023. Collection method: clinical testing. Allele origin: germline.

Women's Health and Genetics/Laboratory Corporation of America, LabCorp
Classification: Likely benign. Last evaluated: 2025-05-05. Review status: criteria provided, single submitter. Criteria: LabCorp Variant Classification Summary - May 2015. Collection method: clinical testing. Allele origin: germline.
Comment: Variant summary: MCM3AP c.3305C>T (p.Ala1102Val) results in a non-conservative amino acid change in the encoded protein sequence. Algorithms developed to predict the effect of missense changes on protein structure and function are either unavailable or do not agree on the potential impact of this missense change. The variant allele was found at a frequency of 0.00091 in 1613818 control chromosomes, predominantly at a frequency of 0.0015 within the South Asian subpopulation in the gnomAD database, including 1 homozygote. The observed variant frequency within South Asian control individuals in the gnomAD database is approximately 1.34 fold of the estimated maximal expected allele frequency for a pathogenic variant in MCM3AP causing Peripheral neuropathy, autosomal recessive, with or without impaired intellectual development phenotype (0.0011). To our knowledge, no occurrence of c.3305C>T in individuals affected with Peripheral neuropathy, autosomal recessive, with or without impaired intellectual development and no experimental evidence demonstrating its impact on protein function have been reported. ClinVar contains an entry for this variant (Variation ID: 1189331). Based on the evidence outlined above, the variant was classified as likely benign.

GeneDx
Classification: Uncertain significance. Last evaluated: 2025-03-18. Review status: criteria provided, single submitter. Criteria: GeneDx Variant Classification Process June 2021. Collection method: clinical testing. Allele origin: germline. Affected: yes.
Comment: In silico analysis indicates that this missense variant does not alter protein structure/function; Has not been previously published as pathogenic or benign to our knowledge

CeGaT Center for Human Genetics Tuebingen
Classification: Likely benign. Last evaluated: 2024-09-01. Review status: criteria provided, single submitter. Criteria: CeGaT Center For Human Genetics Tuebingen Variant Classification Criteria Version 2. Collection method: clinical testing. Allele origin: germline. Affected: yes. Observed: 3 variant alleles.
Comment: MCM3AP: BP4

Labcorp Genetics (formerly Invitae), Labcorp
Classification: Uncertain significance. Last evaluated: 2022-10-26. Review status: criteria provided, single submitter. Criteria: Invitae Variant Classification Sherloc (09022015). Collection method: clinical testing. Allele origin: germline.
Comment: This sequence change replaces alanine, which is neutral and non-polar, with valine, which is neutral and non-polar, at codon 1102 of the MCM3AP protein (p.Ala1102Val). This variant is present in population databases (rs142784252, gnomAD 0.2%), and has an allele count higher than expected for a pathogenic variant. This variant has not been reported in the literature in individuals affected with MCM3AP-related conditions. ClinVar contains an entry for this variant (Variation ID: 1189331). Algorithms developed to predict the effect of missense changes on protein structure and function output the following: SIFT: "Deleterious"; PolyPhen-2: "Benign"; Align-GVGD: "Class C0". The valine amino acid residue is found in multiple mammalian species, which suggests that this missense change does not adversely affect protein function. In summary, the available evidence is currently insufficient to determine the role of this variant in disease. Therefore, it has been classified as a Variant of Uncertain Significance.

Dr. Peter K. Rogan Lab, Western University
No classification provided (evidence only). Condition: Malignant tumor of urinary bladder. Review status: no classification provided. Collection method: in vitro. Allele origin: not applicable. Functional consequence: skipped exon. Not counted in ClinVar's aggregate classification.

Dr. Peter K. Rogan Lab, Western University
No classification provided (evidence only). Condition: Malignant tumor of urinary bladder. Review status: no classification provided. Collection method: in vitro. Allele origin: not applicable. Functional consequence: skipped exon. Not counted in ClinVar's aggregate classification.

NM_003906.5(MCM3AP):c.3305C>T (p.Ala1102Val)

Gene: MCM3AP (minichromosome maintenance complex component 3 associated protein; minus strand). Cytogenetic location: 21q22.3.
Variant type: single nucleotide variant.
Coding change: c.3305C>T on transcript NM_003906.5 (MANE Select); coding-DNA position 3305, C replaced by T.
Protein change: p.Ala1102Val; replaces alanine 1102 with valine.
Molecular consequence: missense variant.
Genome position (GRCh38, 1-based): chr21:46,264,147, G>A on the plus strand (C>T on the coding strand, the complement: MCM3AP is on the minus strand). VCF-style: chr21-46264147-G-A. GRCh37 (hg19) VCF-style: chr21-47684061-G-A.
Other names: p.Ala1102Val; c.3305C>T (NM_003906.3); short protein forms A1102V.
Identifiers: ClinVar variation 1189331 (VCV001189331.34), dbSNP rs142784252, ClinGen allele CA10076546.